The following is an entry in ClinVar:

NM_001105247.2(ARMC5):c.1473C>T (p.Pro491=)

Gene: ARMC5 (armadillo repeat containing 5; plus strand). Cytogenetic location: 16p11.2.
Variant type: single nucleotide variant.
Coding change: c.1473C>T on transcript NM_001105247.2 (MANE Select); coding-DNA position 1473, C replaced by T.
Protein change: p.Pro491=; no amino-acid change (proline 491 retained).
Molecular consequence: synonymous variant.
Genome position (GRCh38, 1-based): chr16:31,464,496, C>T. VCF-style: chr16-31464496-C-T. GRCh37 (hg19) VCF-style: chr16-31475817-C-T.
Other names: c.1758C>T, p.Pro586= (NM_001288767.2); c.1569C>T, p.Pro523= (NM_001301820.1); c.1473C>T, p.Pro491= (NM_024742.2).
Identifiers: ClinVar variation 3031186 (VCV003031186.2), dbSNP rs758990293, ClinGen allele CA8029686.
Genomic context (GRCh38, chr16:31,464,496, plus strand): 5'-CATCTCCCCCGACTGGTCTCCTGAGCAGTGTCCGCCGGAGCCCATGGAGCCGGCCAGCCC[C>T]GCCCCGACCCCGACCTCGCTGCGGGCACCACGCACCCAACGCACTCCGGGCCGCAGCCCC-3'
Protein context (NP_001098717.1, residues 481-501): CPPEPMEPAS[Pro491=]APTPTSLRAP

ClinVar aggregate classification (germline): Likely benign (0 of 4 stars; one submission).

Conditions:
ARMC5-related disorder. Also called: ARMC5-related condition.

Allele frequency attached by ClinVar (database versions not stated): ExAC 0.00002; gnomAD exomes 0.00002; gnomAD 0.00003.

Submission:

PreventionGenetics, part of Exact Sciences
Classification: Likely benign for ARMC5-related condition. Last evaluated: 2022-03-03. Review status: no assertion criteria provided. Collection method: clinical testing. Allele origin: germline.
Comment: This variant is classified as likely benign based on ACMG/AMP sequence variant interpretation guidelines (Richards et al. 2015 PMID: 25741868, with internal and published modifications).